The following is an entry in ClinVar:

ClinVar aggregate classification (germline): Uncertain significance (1 of 4 stars; one submission).

Allele frequency attached by ClinVar (database versions not stated): TOPMed 0.00003; gnomAD 0.00007; ExAC 0.00008; 1000 Genomes Project 30x 0.00016; 1000 Genomes Project 0.00020.
gnomAD v4.1: 88 of 1,589,958 alleles (0.0055%); highest among the groups gnomAD compares: African/African-American, 0.021%; no homozygotes.

Submission:

Labcorp Genetics (formerly Invitae), Labcorp
Classification: Uncertain significance. Last evaluated: 2024-06-26. Review status: criteria provided, single submitter. Criteria: Invitae Variant Classification Sherloc (09022015). Collection method: clinical testing. Allele origin: germline.
Comment: This sequence change replaces valine, which is neutral and non-polar, with isoleucine, which is neutral and non-polar, at codon 1271 of the COL27A1 protein (p.Val1271Ile). The frequency data for this variant in the population databases is considered unreliable, as metrics indicate poor data quality at this position in the gnomAD database. This variant has not been reported in the literature in individuals affected with COL27A1-related conditions. ClinVar contains an entry for this variant (Variation ID: 2064442). Advanced modeling of protein sequence and biophysical properties (such as structural, functional, and spatial information, amino acid conservation, physicochemical variation, residue mobility, and thermodynamic stability) performed at Invitae indicates that this missense variant is not expected to disrupt COL27A1 protein function with a negative predictive value of 80%. In summary, the available evidence is currently insufficient to determine the role of this variant in disease. Therefore, it has been classified as a Variant of Uncertain Significance.

NM_032888.4(COL27A1):c.3811G>A (p.Val1271Ile)

Gene: COL27A1 (collagen type XXVII alpha 1 chain; plus strand). Cytogenetic location: 9q32.
Variant type: single nucleotide variant.
Coding change: c.3811G>A on transcript NM_032888.4 (MANE Select); coding-DNA position 3811, G replaced by A.
Protein change: p.Val1271Ile; replaces valine 1271 with isoleucine.
Molecular consequence: missense variant.
Genome position (GRCh38, 1-based): chr9:114,282,496, G>A. VCF-style: chr9-114282496-G-A. GRCh37 (hg19) VCF-style: chr9-117044776-G-A.
Other names: short protein forms V1271I.
Identifiers: ClinVar variation 2064442 (VCV002064442.2), dbSNP rs558210767, ClinGen allele CA5202633.
Genomic context (GRCh38, chr9:114,282,496, plus strand): 5'-TTGTCTTTCCTCCTGTTGCAGGGTGCCAAGGGCTATCAAGGACAGCTGGGTGAGATGGGC[G>A]TCCCTGGAGACCCTGGACCCCCTGGCACTCCAGGCCCTAAAGGGTCCCGGGGCAGCCTGG-3'
Protein context (NP_116277.2, residues 1261-1281): GYQGQLGEMG[Val1271Ile]PGDPGPPGTP